The following is an entry in ClinVar:

ClinVar aggregate classification (germline): Uncertain significance (1 of 4 stars; one submission).

gnomAD v4.1: 50 of 152,328 alleles (0.033%); highest among the groups gnomAD compares: South Asian, 1%; no homozygotes.

Submission:

Greenwood Genetic Center Diagnostic Laboratories, Greenwood Genetic Center
Classification: Uncertain significance. Last evaluated: 2026-06-24. Review status: criteria provided, single submitter. Criteria: ACMG Guidelines, 2015. Collection method: clinical testing. Allele origin: germline.
Comment: BP4

NM_000387.6(SLC25A20):c.418-1102T>G

Gene: SLC25A20 (solute carrier family 25 member 20; minus strand). Cytogenetic location: 3p21.31.
Variant type: single nucleotide variant.
Coding change: c.418-1102T>G on transcript NM_000387.6 (MANE Select); 1102 bases into the intron before coding-DNA position 418, T replaced by G.
Molecular consequence: intron variant.
Genome position (GRCh38, 1-based): chr3:48,863,761, A>C on the plus strand (T>G on the coding strand, the complement: SLC25A20 is on the minus strand). VCF-style: chr3-48863761-A-C. GRCh37 (hg19) VCF-style: chr3-48901194-A-C.
Identifiers: ClinVar variation 4891180 (VCV004891180.1).